The following is an entry in ClinVar:

ClinVar aggregate classification (germline): Likely pathogenic (1 of 4 stars; one submission).

Conditions:
Cockayne syndrome type 2 (CSB). Also called: COCKAYNE SYNDROME B; Cockayne Syndrome, Type II. Identifiers: Orphanet 191, Orphanet 90322, MedGen C0751038, MONDO:0019570, OMIM 133540.

Submission:

Myriad Genetics, Inc.
Classification: Likely pathogenic for Cockayne syndrome type 2. Last evaluated: 2022-01-24. Review status: criteria provided, single submitter. Criteria: Myriad Women's Health Autosomal Recessive and X-Linked Classification Criteria (2021). Collection method: clinical testing. Allele origin: unknown.
Comment: NM_000124.2(ERCC6):c.1867_1869delACAinsT(T623Ffs*11) is expected to be pathogenic in the context of ERCC6-related disorders. This variant is predicted to lead to an abnormal or absent protein product due to the creation of a premature termination codon in ERCC6, a gene where loss-of-function variants are known to be pathogenic. Please note: this variant was assessed in the context of healthy population screening.

NM_000124.4(ERCC6):c.1867_1869delinsT (p.Thr623fs)

Gene: ERCC6 (ERCC excision repair 6, chromatin remodeling factor; minus strand). Cytogenetic location: 10q11.23.
Variant type: Indel.
Coding change: c.1867_1869delinsT on transcript NM_000124.4 (MANE Select); coding-DNA positions 1867 to 1869, ACA replaced by T.
Protein change: p.Thr623fs; shifts the reading frame from threonine 623.
Molecular consequence: frameshift variant.
Genome position (GRCh38, 1-based): chr10:49,483,469-49,483,471, TGT replaced by A on the plus strand (ACA replaced by T on the coding strand, the reverse complement: ERCC6 is on the minus strand). VCF-style: chr10-49483469-TGT-A. GRCh37 (hg19) VCF-style: chr10-50691515-TGT-A.
Other names: c.1867_1869delinsT, p.Thr623fs (NM_001346440.2); short protein forms T623fs.
Identifiers: ClinVar variation 1724048 (VCV001724048.2), dbSNP rs2496009170, ClinGen allele CA2580081564.